The following is an entry in ClinVar:

NM_001003699.4(RREB1):c.4307C>T (p.Ala1436Val)

Gene: RREB1 (ras responsive element binding protein 1; plus strand). Cytogenetic location: 6p24.3.
Variant type: single nucleotide variant.
Coding change: c.4307C>T on transcript NM_001003699.4 (MANE Select); coding-DNA position 4307, C replaced by T.
Protein change: p.Ala1436Val; replaces alanine 1436 with valine.
Molecular consequence: missense variant. On other transcripts: intron variant (1).
Genome position (GRCh38, 1-based): chr6:7,246,757, C>T. VCF-style: chr6-7246757-C-T. GRCh37 (hg19) VCF-style: chr6-7246990-C-T.
Other names: c.4142C>T, p.Ala1381Val (NM_001003698.4, NM_001168344.2); c.3974-1754C>T (NM_001003700.2); short protein forms A1381V, A1436V.
Identifiers: ClinVar variation 729320 (VCV000729320.6), dbSNP rs533475141, ClinGen allele CA3626432.
Genomic context (GRCh38, chr6:7,246,757, plus strand): 5'-TGGACCTGGACTTCGCCACCAAGCTCATGGACTTCAAGCTGGCGGAGGGCGACGGCGAGG[C>T]AGGCGCCGGGGGCGCGGCCTCGCAGGAGCAGAAGCTCGCCTGCGACACCTGTGGGAAGAG-3'
Protein context (NP_001003699.1, residues 1426-1446): DFKLAEGDGE[Ala1436Val]GAGGAASQEQ

ClinVar aggregate classification (germline): Benign. Review status: criteria provided, single submitter (1 of 4 stars). 2 submissions from 2 submitters: Benign (1). 1 of the submissions does not count toward it. Last evaluated 2019-12-31.

Conditions:
RREB1-related disorder. Also called: RREB1-related condition.

Allele frequency attached by ClinVar (database versions not stated): gnomAD 0.00003 and 0.00032; TOPMed 0.00003; gnomAD exomes 0.00119; 1000 Genomes Project 0.00260; ExAC 0.00357.
gnomAD v4.1: 795 of 1,565,838 alleles (0.051%); highest among the groups gnomAD compares: South Asian, 0.83%; 17 homozygotes.

Submissions (2):

Labcorp Genetics (formerly Invitae), Labcorp
Classification: Benign. Last evaluated: 2019-12-31. Review status: criteria provided, single submitter. Criteria: Invitae Variant Classification Sherloc (09022015). Collection method: clinical testing. Allele origin: germline.

PreventionGenetics, part of Exact Sciences
Classification: Likely benign for RREB1-related condition. Last evaluated: 2019-05-27. Review status: no assertion criteria provided. Collection method: clinical testing. Allele origin: germline. Not counted in ClinVar's aggregate classification.
Comment: This variant is classified as likely benign based on ACMG/AMP sequence variant interpretation guidelines (Richards et al. 2015 PMID: 25741868, with internal and published modifications).